The following is an entry in ClinVar:

NM_005862.3(STAG1):c.3066-16del

Gene: STAG1 (STAG1 cohesin complex component; minus strand). Cytogenetic location: 3q22.3.
Variant type: Deletion.
Coding change: c.3066-16del on transcript NM_005862.3 (MANE Select); 16 bases into the intron before coding-DNA position 3066, one base deleted (T; older notation c.3066-16delT).
Molecular consequence: intron variant.
Genome position (GRCh38, 1-based): chr3:136,349,379, A deleted on the plus strand (T on the coding strand, the reverse complement: STAG1 is on the minus strand); the first of 3 consecutive A bases (chr3:136,349,379-136,349,381); deleting any one gives the same sequence. VCF-style (leftmost placement, unchanged base first): chr3-136349378-GA-G. GRCh37 (hg19) VCF-style: chr3-136068220-GA-G.
Other names: c.3066-16delT (NM_005862.3).
Identifiers: ClinVar variation 3251372 (VCV003251372.1), dbSNP rs2530051349.

ClinVar aggregate classification (germline): Likely benign (1 of 4 stars; one submission).

Submission:

Women's Health and Genetics/Laboratory Corporation of America, LabCorp
Classification: Likely benign. Last evaluated: 2024-04-10. Review status: criteria provided, single submitter. Criteria: LabCorp Variant Classification Summary - May 2015. Collection method: clinical testing. Allele origin: germline.
Comment: Variant summary: STAG1 c.3066-16delT alters a non-conserved nucleotide located at a position not widely known to affect splicing. Consensus agreement among computation tools predict no significant impact on normal splicing. However, these predictions have yet to be confirmed by functional studies. The variant was absent in 250768 control chromosomes. The available data on variant occurrences in the general population are insufficient to allow any conclusion about variant significance. To our knowledge, no occurrence of c.3066-16delT in individuals affected with Mental Retardation, Autosomal Dominant 47 and no experimental evidence demonstrating its impact on protein function have been reported. No submitters have cited clinical-significance assessments for this variant to ClinVar. Based on the evidence outlined above, the variant was classified as likely benign.